The following is an entry in ClinVar:

NM_001042492.3(NF1):c.7850C>T (p.Ala2617Val)

Gene: NF1 (neurofibromin 1; plus strand). Cytogenetic location: 17q11.2.
Variant type: single nucleotide variant.
Coding change: c.7850C>T on transcript NM_001042492.3 (MANE Select); coding-DNA position 7850, C replaced by T.
Protein change: p.Ala2617Val; replaces alanine 2617 with valine.
Molecular consequence: missense variant.
Genome position (GRCh38, 1-based): chr17:31,357,071, C>T. VCF-style: chr17-31357071-C-T. GRCh37 (hg19) VCF-style: chr17-29684089-C-T.
Other names: c.7787C>T, p.Ala2596Val (NM_000267.4); short protein forms A2596V, A2617V.
Identifiers: ClinVar variation 187029 (VCV000187029.22), dbSNP rs375990655, ClinGen allele CA196545.
Genomic context (GRCh38, chr17:31,357,071, plus strand): 5'-CAGTGTCTGAATCAAATGTTCTCTTGGATGAAGAAGTACTTACTGATCCGAAGATCCAGG[C>T]GCTGCTTCTTACTGTTCTAGTAAGGATTTCCCCTTTTTGAGTCCCCCACCCTCAAATTTT-3'
Protein context (NP_001035957.1, residues 2607-2627): EEVLTDPKIQ[Ala2617Val]LLLTVLATLV

ClinVar aggregate classification (germline): Conflicting classifications of pathogenicity. Review status: criteria provided, conflicting classifications (1 of 4 stars). 8 submissions from 7 submitters: Uncertain significance (7); Benign (1). Last evaluated 2025-12-13.

Conditions:
Hereditary cancer-predisposing syndrome. Also called: Neoplastic Syndromes, Hereditary; Hereditary neoplastic syndrome; Tumor predisposition; Hereditary Cancer Syndrome. Identifiers: Orphanet 140162, MedGen C0027672, MeSH D009386, MONDO:0015356.
Cardiovascular phenotype. Identifiers: MedGen CN230736.
Juvenile myelomonocytic leukemia (JMML). Also called: LEUKEMIA, JUVENILE MYELOMONOCYTIC, SOMATIC. Identifiers: Orphanet 86834, MedGen C0349639, MONDO:0011908, OMIM 607785, HP:0012209.
Neurofibromatosis, type 1 (NF1). Also called: VON RECKLINGHAUSEN DISEASE; NEUROFIBROMATOSIS, TYPE I, SOMATIC; Peripheral type neurofibromatosis; Neurofibromatosis, type I. Identifiers: Orphanet 636, MedGen C0027831, MONDO:0018975, OMIM 162200. Disease mechanism: loss of function.

Allele frequency attached by ClinVar (database versions not stated): ESP Exome Variant Server 0.00008; gnomAD exomes below 0.00001 and 0.00001; TOPMed below 0.00001; gnomAD 0.00001.
gnomAD v4.1: 5 of 1,613,514 alleles (0.00031%); highest among the groups gnomAD compares: African/African-American, 0.0013%; no homozygotes.

Submissions (8):

Labcorp Genetics (formerly Invitae), Labcorp
Classification: Benign for Neurofibromatosis, type 1. Last evaluated: 2025-12-13. Review status: criteria provided, single submitter. Criteria: Invitae Variant Classification Sherloc (09022015). Collection method: clinical testing. Allele origin: germline.

Dasa
Classification: Uncertain significance. Last evaluated: 2025-12-08. Review status: criteria provided, single submitter. Criteria: DASA Assertion Criteria. Collection method: clinical testing. Allele origin: germline.
Comment: NM_001042492.3(NF1):c.7850C>T (p.Ala2617Val) is a missense variant that results in the substitution of alanine with valine. This variant is rare in population databases. Computational prediction algorithms are consistent with a deleterious effect. The currently available literature and clinical evidence are not sufficient to establish a definitive association between this variant and the reported condition. Therefore, this variant is classified as a variant of uncertain significance.

Ambry Genetics
Classification: Uncertain significance for Cardiovascular phenotype; Hereditary cancer-predisposing syndrome. Last evaluated: 2024-12-19. Review status: criteria provided, single submitter. Criteria: Ambry Variant Classification Scheme 2023. Collection method: clinical testing. Allele origin: germline.

Baylor Genetics
Classification: Uncertain significance for Juvenile myelomonocytic leukemia. Last evaluated: 2024-02-09. Review status: criteria provided, single submitter. Criteria: ACMG Guidelines, 2015. Collection method: clinical testing. Allele origin: unknown.

Genome-Nilou Lab
Classification: Uncertain significance for Neurofibromatosis, type 1. Last evaluated: 2022-03-15. Review status: criteria provided, single submitter. Criteria: ACMG Guidelines, 2015. Collection method: clinical testing. Allele origin: germline. Affected: no.

Sema4
Classification: Uncertain significance for Hereditary cancer-predisposing syndrome. Last evaluated: 2021-07-16. Review status: criteria provided, single submitter. Criteria: Sema4 Curation Guidelines. Collection method: curation. Allele origin: germline.
Comment: The NF1 c.7787C>T (p.A2596V) variant has been reported in an individual with Neurofibromatosis Type I (PMID 10336779). This variant was observed in 3/282418 chromosomes from the large and broad cohorts of the Genome Aggregation Database (PMID: 32461654). This variant has been reported in ClinVar (Variation ID 187029). Functional studies have not been performed and in silico predictions of the variant's effect on protein function are inconclusive. The overall evidence is insufficient to meet ACMG/AMP criteria for classifying it as benign or pathogenic. In summary, the clinical significance of this variant is currently uncertain.

GeneDx
Classification: Uncertain significance. Last evaluated: 2020-12-21. Review status: criteria provided, single submitter. Criteria: GeneDx Variant Classification Process June 2021. Collection method: clinical testing. Allele origin: germline. Affected: yes.
Comment: While protein-based in silico analysis supports that this variant does not alter protein structure/function, splice predictors support a deleterious effect; Has not been previously published as pathogenic or benign to our knowledge; This variant is associated with the following publications: (PMID: 10336779, 25032700)

Ambry Genetics
Classification: Uncertain significance for Hereditary cancer-predisposing syndrome. Last evaluated: 2015-12-14. Review status: criteria provided, single submitter. Criteria: Ambry Autosomal Dominant and X-Linked criteria (10/2015). Collection method: clinical testing. Allele origin: germline. Observed: 1 variant allele.
Comment: The p.A2617V variant (also known as c.7850C>T), located in coding exon 53 of the NF1 gene, results from a C to T substitution at nucleotide position 7850. The alanine at codon 2617 is replaced by valine, an amino acid with similar properties. This variant was previously reported in the SNPDatabase as rs375990655. Based on data from the NHLBI Exome Sequencing Project (ESP), the T allele has an overall frequency of approximately 0.01% (1/13006) total alleles studied, having been observed in 0.02% (1/4406) African American alleles. To date, this alteration has been detected with an allele frequency of approximately 0.003% (greater than 110000 alleles tested) in our clinical cohort. This amino acid position is highly conserved in available vertebrate species. In addition, the in silico prediction for this alteration is inconclusive. Since supporting evidence is limited at this time, the clinical significance of p.A2617V remains unclear.

Literature cited by the submitters: PubMed 10336779 (cited by Sema4).